The following is an entry in ClinVar:

NM_003036.4(SKI):c.41A>C (p.His14Pro)

Gene: SKI (SKI proto-oncogene; plus strand). Cytogenetic location: 1p36.33.
Variant type: single nucleotide variant.
Coding change: c.41A>C on transcript NM_003036.4 (MANE Select); coding-DNA position 41, A replaced by C.
Protein change: p.His14Pro; replaces histidine 14 with proline.
Molecular consequence: missense variant.
Genome position (GRCh38, 1-based): chr1:2,228,807, A>C. VCF-style: chr1-2228807-A-C. GRCh37 (hg19) VCF-style: chr1-2160246-A-C.
Other names: short protein forms H14P.
Identifiers: ClinVar variation 1319167 (VCV001319167.6), dbSNP rs1232615367, ClinGen allele CA337951961.
Genomic context (GRCh38, chr1:2,228,807, plus strand): 5'-CGGGGGAGCCGGAGCGCACCATGGAGGCGGCGGCAGGCGGCCGCGGCTGTTTCCAGCCGC[A>C]CCCGGGGCTGCAGAAGACGCTGGAGCAGTTCCACCTGAGCTCCATGAGCTCGCTGGGCGG-3'
Protein context (NP_003027.1, residues 4-24): AAGGRGCFQP[His14Pro]PGLQKTLEQF

ClinVar aggregate classification (germline): Uncertain significance. Review status: criteria provided, multiple submitters, no conflicts (2 of 4 stars). 2 submissions from 2 submitters: Uncertain significance (2). Last evaluated 2024-08-25.

Conditions:
Familial thoracic aortic aneurysm and aortic dissection (TAAD). Also called: Thoracic aortic aneurysms and dissections. Identifiers: Orphanet 91387, MedGen C4707243, MONDO:0019625.

gnomAD v4.1: 122 of 1,321,668 alleles (0.0092%); highest among the groups gnomAD compares: East Asian, 0.016%; no homozygotes.

Submissions (2):

Ambry Genetics
Classification: Uncertain significance for Familial thoracic aortic aneurysm and aortic dissection. Last evaluated: 2024-08-25. Review status: criteria provided, single submitter. Criteria: Ambry Variant Classification Scheme 2023. Collection method: clinical testing. Allele origin: germline.
Comment: The p.H14P variant (also known as c.41A>C), located in coding exon 1 of the SKI gene, results from an A to C substitution at nucleotide position 41. The histidine at codon 14 is replaced by proline, an amino acid with similar properties. This amino acid position is conserved. In addition, the in silico prediction for this alteration is inconclusive. Since supporting evidence is limited at this time, the clinical significance of this alteration remains unclear.

Institute for Clinical Genetics, University Hospital TU Dresden, University Hospital TU Dresden
Classification: Uncertain significance. Last evaluated: 2021-11-03. Review status: criteria provided, single submitter. Criteria: ACMG Guidelines, 2015. Collection method: clinical testing. Allele origin: germline.